The following is an entry in ClinVar:

NM_031935.3(HMCN1):c.1468A>G (p.Thr490Ala)

Gene: HMCN1 (hemicentin 1; plus strand). Cytogenetic location: 1q31.1.
Variant type: single nucleotide variant.
Coding change: c.1468A>G on transcript NM_031935.3 (MANE Select); coding-DNA position 1468, A replaced by G.
Protein change: p.Thr490Ala; replaces threonine 490 with alanine.
Molecular consequence: missense variant.
Genome position (GRCh38, 1-based): chr1:185,928,583, A>G. VCF-style: chr1-185928583-A-G. GRCh37 (hg19) VCF-style: chr1-185897715-A-G.
Other names: short protein forms T490A.
Identifiers: ClinVar variation 1721315 (VCV001721315.5), dbSNP rs2527135420, ClinGen allele CA343865257.

ClinVar aggregate classification (germline): Uncertain significance (1 of 4 stars; one submission).

Submission:

Labcorp Genetics (formerly Invitae), Labcorp
Classification: Uncertain significance. Last evaluated: 2022-10-08. Review status: criteria provided, single submitter. Criteria: Invitae Variant Classification Sherloc (09022015). Collection method: clinical testing. Allele origin: germline.
Comment: In summary, the available evidence is currently insufficient to determine the role of this variant in disease. Therefore, it has been classified as a Variant of Uncertain Significance. Algorithms developed to predict the effect of missense changes on protein structure and function output the following: SIFT: "Tolerated"; PolyPhen-2: "Benign"; Align-GVGD: "Class C0". The alanine amino acid residue is found in multiple mammalian species, which suggests that this missense change does not adversely affect protein function. This variant has not been reported in the literature in individuals affected with HMCN1-related conditions. This variant is not present in population databases (gnomAD no frequency). This sequence change replaces threonine, which is neutral and polar, with alanine, which is neutral and non-polar, at codon 490 of the HMCN1 protein (p.Thr490Ala).